The following is an entry in ClinVar:

NM_000308.4(CTSA):c.1114C>T (p.Arg372Cys)

Gene: CTSA (cathepsin A; plus strand). Cytogenetic location: 20q13.12.
Variant type: single nucleotide variant.
Coding change: c.1114C>T on transcript NM_000308.4 (MANE Select); coding-DNA position 1114, C replaced by T.
Protein change: p.Arg372Cys; replaces arginine 372 with cysteine.
Molecular consequence: missense variant. On other transcripts: non-coding transcript variant (1).
Genome position (GRCh38, 1-based): chr20:45,896,990, C>T. VCF-style: chr20-45896990-C-T. GRCh37 (hg19) VCF-style: chr20-44525629-C-T.
Other names: c.1114C>T, p.Arg372Cys (NM_001127695.3); c.1063C>T, p.Arg355Cys (NM_001167594.3); c.1168C>T (NM_000308.3, NM_000308.2); short protein forms R355C, R372C.
Identifiers: ClinVar variation 2190525 (VCV002190525.5), dbSNP rs201885451, ClinGen allele CA315667118.
Genomic context (GRCh38, chr20:45,896,990, plus strand): 5'-GGTCTTCCTGGGGCCTGCTCGTATGTTCCCGGCAGCTTTCTGGTAAACTTACAGTACCGC[C>T]GTCTCTACCGAAGCATGAACTCCCAGTATCTGAAGCTGCTTAGCTCACAGGTGAGTGGGG-3'
Protein context (NP_000299.3, residues 362-382): CNFLVNLQYR[Arg372Cys]LYRSMNSQYL

ClinVar aggregate classification (germline): Uncertain significance. Review status: criteria provided, multiple submitters, no conflicts (2 of 4 stars). 2 submissions from 2 submitters: Uncertain significance (2). Last evaluated 2025-08-19.

Conditions:
Inborn genetic diseases. Identifiers: MedGen C0950123, MeSH D030342.
Combined deficiency of sialidase AND beta galactosidase (GSL). Also called: PPCA DEFICIENCY; PROTECTIVE PROTEIN/CATHEPSIN A DEFICIENCY; Galactosialidosis; CATHEPSIN A DEFICIENCY; GOLDBERG SYNDROME; NEURAMINIDASE DEFICIENCY WITH BETA-GALACTOSIDASE DEFICIENCY. Identifiers: Orphanet 351, MedGen C0268233, MONDO:0009737, OMIM 256540.

Allele frequency attached by ClinVar (database versions not stated): gnomAD exomes 0.00001; TOPMed 0.00002; gnomAD 0.00003.

Submissions (2):

Ambry Genetics
Classification: Uncertain significance for Inborn genetic diseases. Last evaluated: 2025-08-19. Review status: criteria provided, single submitter. Criteria: Ambry Variant Classification Scheme 2023. Collection method: clinical testing. Allele origin: germline.

Labcorp Genetics (formerly Invitae), Labcorp
Classification: Uncertain significance for Combined deficiency of sialidase AND beta galactosidase. Last evaluated: 2024-09-06. Review status: criteria provided, single submitter. Criteria: Invitae Variant Classification Sherloc (09022015). Collection method: clinical testing. Allele origin: germline.
Comment: This sequence change replaces arginine, which is basic and polar, with cysteine, which is neutral and slightly polar, at codon 390 of the CTSA protein (p.Arg390Cys). This variant is present in population databases (rs201885451, gnomAD 0.01%). This variant has not been reported in the literature in individuals affected with CTSA-related conditions. ClinVar contains an entry for this variant (Variation ID: 2190525). An algorithm developed to predict the effect of missense changes on protein structure and function (PolyPhen-2) suggests that this variant is likely to be disruptive. In summary, the available evidence is currently insufficient to determine the role of this variant in disease. Therefore, it has been classified as a Variant of Uncertain Significance.